The following is an entry in ClinVar:

NM_001145715.3(KPNA7):c.1548dup (p.Ter517IleextTer?)

Gene: KPNA7 (karyopherin subunit alpha 7; minus strand). Cytogenetic location: 7q22.1.
Variant type: Duplication.
Coding change: c.1548dup on transcript NM_001145715.3 (MANE Select); coding-DNA position 1548, one base duplicated (A; older notation c.1548dupA).
Protein change: p.Ter517IleextTer?.
Molecular consequence: frameshift variant, stop lost.
Genome position (GRCh38, 1-based): chr7:99,173,711, T duplicated on the plus strand (A on the coding strand, the reverse complement: KPNA7 is on the minus strand); the first of 7 consecutive T bases (chr7:99,173,711-99,173,717); duplicating any one gives the same sequence. VCF-style (leftmost placement, unchanged base first): chr7-99173710-A-AT. GRCh37 (hg19) VCF-style: chr7-98771333-A-AT.
Identifiers: ClinVar variation 2192602 (VCV002192602.4), dbSNP rs1563062111, ClinGen allele CA576676902.
Genomic context (GRCh38, chr7:99,173,710, plus strand): 5'-TTCTTAAAGAAGTTATCCTTTAGCACTGGGTTGTTGGTTTAGGAGGTAGGGAGCTTGGCT[A>AT]TTTTTTTGCTAAGCATTCATAATCTATAAATTCATAATCTTGGTCTATGACTTGGCTCAG-3'

ClinVar aggregate classification (germline): Uncertain significance (1 of 4 stars; one submission).

Submission:

Labcorp Genetics (formerly Invitae), Labcorp
Classification: Uncertain significance. Last evaluated: 2023-10-03. Review status: criteria provided, single submitter. Criteria: Invitae Variant Classification Sherloc (09022015). Collection method: clinical testing. Allele origin: germline.
Comment: This sequence change results in a frameshift in the KPNA7 gene (p.*517Ileext*7). While this is not anticipated to result in nonsense mediated decay, it is expected to disrupt the last codon of the KPNA7 protein and extend the protein by 7 additional amino acid residues. The frequency data for this variant in the population databases is considered unreliable, as metrics indicate poor data quality at this position in the gnomAD database. This variant has not been reported in the literature in individuals affected with KPNA7-related conditions. ClinVar contains an entry for this variant (Variation ID: 2192602). Experimental studies and prediction algorithms are not available or were not evaluated, and the functional significance of this variant is currently unknown. In summary, the available evidence is currently insufficient to determine the role of this variant in disease. Therefore, it has been classified as a Variant of Uncertain Significance.